The following is an entry in ClinVar:

ClinVar aggregate classification (germline): Uncertain significance (1 of 4 stars; one submission).

Submission:

Labcorp Genetics (formerly Invitae), Labcorp
Classification: Uncertain significance. Last evaluated: 2021-08-20. Review status: criteria provided, single submitter. Criteria: Invitae Variant Classification Sherloc (09022015). Collection method: clinical testing. Allele origin: germline.
Comment: Algorithms developed to predict the effect of sequence changes on RNA splicing suggest that this variant may create or strengthen a splice site. Algorithms developed to predict the effect of missense changes on protein structure and function (SIFT, PolyPhen-2, Align-GVGD) all suggest that this variant is likely to be tolerated. This sequence change replaces histidine with glutamine at codon 387 of the SBF1 protein (p.His387Gln). The histidine residue is moderately conserved and there is a small physicochemical difference between histidine and glutamine. This variant has not been reported in the literature in individuals affected with SBF1-related conditions. This variant is not present in population databases (ExAC no frequency). In summary, the available evidence is currently insufficient to determine the role of this variant in disease. Therefore, it has been classified as a Variant of Uncertain Significance.

NM_002972.4(SBF1):c.1161C>G (p.His387Gln)

Gene: SBF1 (SET binding factor 1; minus strand). Cytogenetic location: 22q13.33.
Variant type: single nucleotide variant.
Coding change: c.1161C>G on transcript NM_002972.4 (MANE Select); coding-DNA position 1161, C replaced by G.
Protein change: p.His387Gln; replaces histidine 387 with glutamine.
Molecular consequence: missense variant.
Genome position (GRCh38, 1-based): chr22:50,465,257, G>C on the plus strand (C>G on the coding strand, the complement: SBF1 is on the minus strand). VCF-style: chr22-50465257-G-C. GRCh37 (hg19) VCF-style: chr22-50903686-G-C.
Other names: c.1164C>G, p.His388Gln (NM_001365819.1); short protein forms H388Q, H387Q.
Identifiers: ClinVar variation 1376562 (VCV001376562.6), dbSNP rs369261069, ClinGen allele CA412218796.